The following is an entry in ClinVar:

ClinVar aggregate classification (germline): Pathogenic (1 of 4 stars; one submission).

gnomAD v4.1: 3 of 1,612,680 alleles (0.00019%); highest among the groups gnomAD compares: Admixed American, 0.0017%; no homozygotes.

Submission:

Labcorp Genetics (formerly Invitae), Labcorp
Classification: Pathogenic. Last evaluated: 2025-01-06. Review status: criteria provided, single submitter. Criteria: Invitae Variant Classification Sherloc (09022015). Collection method: clinical testing. Allele origin: germline.
Comment: This sequence change creates a premature translational stop signal (p.Gln1710*) in the TUBGCP6 gene. It is expected to result in an absent or disrupted protein product. Loss-of-function variants in TUBGCP6 are known to be pathogenic (PMID: 25344692). This variant is present in population databases (rs544541261, gnomAD 0.003%). This variant has not been reported in the literature in individuals affected with TUBGCP6-related conditions. ClinVar contains an entry for this variant (Variation ID: 2767220). For these reasons, this variant has been classified as Pathogenic.

Literature cited by the submitters: PubMed 25344692.

NM_020461.4(TUBGCP6):c.5128C>T (p.Gln1710Ter)

Gene: TUBGCP6 (tubulin gamma complex component 6; minus strand). Cytogenetic location: 22q13.33.
Variant type: single nucleotide variant.
Coding change: c.5128C>T on transcript NM_020461.4 (MANE Select); coding-DNA position 5128, C replaced by T.
Protein change: p.Gln1710Ter; replaces glutamine 1710 with a stop codon.
Molecular consequence: nonsense.
Genome position (GRCh38, 1-based): chr22:50,218,229, G>A on the plus strand (C>T on the coding strand, the complement: TUBGCP6 is on the minus strand). VCF-style: chr22-50218229-G-A. GRCh37 (hg19) VCF-style: chr22-50656658-G-A.
Other names: short protein forms Q1710*.
Identifiers: ClinVar variation 2767220 (VCV002767220.3), dbSNP rs544541261, ClinGen allele CA10307174.